The following is an entry in ClinVar:

NM_004699.4(FAM50A):c.720G>A (p.Glu240=)

Gene: FAM50A (family with sequence similarity 50 member A; plus strand). Cytogenetic location: Xq28.
Variant type: single nucleotide variant.
Coding change: c.720G>A on transcript NM_004699.4 (MANE Select); coding-DNA position 720, G replaced by A.
Protein change: p.Glu240=; no amino-acid change (glutamic acid 240 retained).
Molecular consequence: synonymous variant.
Genome position (GRCh38, 1-based): chrX:154,449,292, G>A. VCF-style: chrX-154449292-G-A. GRCh37 (hg19) VCF-style: chrX-153677640-G-A.
Identifiers: ClinVar variation 4084227 (VCV004084227.8).

ClinVar aggregate classification (germline): Likely benign (1 of 4 stars; one submission).

gnomAD v4.1: 34 of 1,203,159 alleles (0.0028%); highest among the groups gnomAD compares: Non-Finnish European, 0.0036%; no homozygotes.

Submission:

CeGaT Center for Human Genetics Tuebingen
Classification: Likely benign. Last evaluated: 2025-07-01. Review status: criteria provided, single submitter. Criteria: CeGaT Center For Human Genetics Tuebingen Variant Classification Criteria Version 2. Collection method: clinical testing. Allele origin: germline. Affected: yes. Observed: 1 variant allele.
Comment: FAM50A: BS2